The following is an entry in ClinVar:

ClinVar aggregate classification (germline): Likely benign. Review status: criteria provided, multiple submitters, no conflicts (2 of 4 stars). 4 submissions from 4 submitters: Likely benign (4). Last evaluated 2024-05-05.

Conditions:
Familial thoracic aortic aneurysm and aortic dissection (TAAD). Also called: Thoracic aortic aneurysms and dissections. Identifiers: Orphanet 91387, MedGen C4707243, MONDO:0019625.
Aortic aneurysm, familial thoracic 6 (AAT6). Also called: FAMILIAL THORACIC AORTIC ANEURYSM WITH LIVEDO RETICULARIS AND IRIS FLOCCULI. Identifiers: MedGen C2673186, MONDO:0012730, OMIM 611788.

Allele frequency attached by ClinVar (database versions not stated): gnomAD exomes below 0.00001; TOPMed below 0.00001; ExAC 0.00001.
gnomAD v4.1: 6 of 1,612,830 alleles (0.00037%); highest among the groups gnomAD compares: Non-Finnish European, 0.00042%; no homozygotes.

Submissions (4):

Labcorp Genetics (formerly Invitae), Labcorp
Classification: Likely benign for Aortic aneurysm, familial thoracic 6. Last evaluated: 2024-05-05. Review status: criteria provided, single submitter. Criteria: Invitae Variant Classification Sherloc (09022015). Collection method: clinical testing. Allele origin: germline.

All of Us Research Program, National Institutes of Health
Classification: Likely benign for Familial thoracic aortic aneurysm and aortic dissection. Last evaluated: 2023-06-27. Review status: criteria provided, single submitter. Criteria: ACMG Guidelines, 2015. Collection method: clinical testing. Allele origin: germline. Inheritance: Autosomal dominant inheritance. Observed: 1 variant allele, 1 heterozygote.
Comment: This study involves interpretation of variants in research participants for the purpose of population health screening. Participant phenotype was not available at the time of variant classification. Additional details can be found in publication PMID: 35346344, PMCID: PMC8962531

Ambry Genetics
Classification: Likely benign for Familial thoracic aortic aneurysm and aortic dissection. Last evaluated: 2022-12-06. Review status: criteria provided, single submitter. Criteria: Ambry Variant Classification Scheme 2023. Collection method: clinical testing. Allele origin: germline.

Color Diagnostics, LLC DBA Color Health
Classification: Likely benign for Familial thoracic aortic aneurysm and aortic dissection. Last evaluated: 2019-09-16. Review status: criteria provided, single submitter. Criteria: ACMG Guidelines, 2015. Collection method: clinical testing. Allele origin: germline.

NM_001613.4(ACTA2):c.435T>C (p.Tyr145=)

Gene: ACTA2 (actin alpha 2, smooth muscle; minus strand). Cytogenetic location: 10q23.31.
Variant type: single nucleotide variant.
Coding change: c.435T>C on transcript NM_001613.4 (MANE Select); coding-DNA position 435, T replaced by C.
Protein change: p.Tyr145=; no amino-acid change (tyrosine 145 retained).
Molecular consequence: synonymous variant.
Genome position (GRCh38, 1-based): chr10:88,941,804, A>G on the plus strand (T>C on the coding strand, the complement: ACTA2 is on the minus strand). VCF-style: chr10-88941804-A-G. GRCh37 (hg19) VCF-style: chr10-90701561-A-G.
Other names: c.435T>C, p.Tyr145= (NM_001141945.3, NM_001320855.2, NM_001406462.1 and 3 more transcripts); c.324T>C, p.Tyr108= (NM_001406466.1); c.306T>C, p.Tyr102= (NM_001406467.1, NM_001406468.1, NM_001406469.1).
Identifiers: ClinVar variation 921682 (VCV000921682.9), dbSNP rs765374178, ClinGen allele CA028263.